The following is an entry in ClinVar:

ClinVar aggregate classification (germline): Uncertain significance. Review status: criteria provided, multiple submitters, no conflicts (2 of 4 stars). 2 submissions from 2 submitters: Uncertain significance (2). Last evaluated 2025-10-20.

Conditions:
ALPK1-related disorder. Also called: ALPK1-related condition.

gnomAD v4.1: 24 of 1,613,864 alleles (0.0015%); highest among the groups gnomAD compares: Non-Finnish European, 0.002%; no homozygotes.

Submissions (2):

PreventionGenetics, part of Exact Sciences
Classification: Uncertain significance for ALPK1-related condition. Last evaluated: 2025-10-20. Review status: criteria provided, single submitter. Criteria: ACMG Guidelines, 2015. Collection method: clinical testing. Allele origin: germline.
Comment: The ALPK1 c.2326C>T variant is predicted to result in the amino acid substitution p.Pro776Ser. To our knowledge, this variant has not been reported in the literature or in a large population database (gnomAD), indicating this variant is rare. At this time, the clinical significance of this variant is uncertain due to the absence of conclusive functional and genetic evidence.

Labcorp Genetics (formerly Invitae), Labcorp
Classification: Uncertain significance. Last evaluated: 2025-07-10. Review status: criteria provided, single submitter. Criteria: Invitae Variant Classification Sherloc (09022015). Collection method: clinical testing. Allele origin: germline.
Comment: This sequence change replaces proline, which is neutral and non-polar, with serine, which is neutral and polar, at codon 776 of the ALPK1 protein (p.Pro776Ser). This variant is not present in population databases (gnomAD no frequency). This variant has not been reported in the literature in individuals affected with ALPK1-related conditions. ClinVar contains an entry for this variant (Variation ID: 3603949). Invitae Evidence Modeling of protein sequence and biophysical properties (such as structural, functional, and spatial information, amino acid conservation, physicochemical variation, residue mobility, and thermodynamic stability) indicates that this missense variant is not expected to disrupt ALPK1 protein function with a negative predictive value of 80%. In summary, the available evidence is currently insufficient to determine the role of this variant in disease. Therefore, it has been classified as a Variant of Uncertain Significance.

NM_025144.4(ALPK1):c.2326C>T (p.Pro776Ser)

Gene: ALPK1 (alpha kinase 1; plus strand). Cytogenetic location: 4q25.
Variant type: single nucleotide variant.
Coding change: c.2326C>T on transcript NM_025144.4 (MANE Select); coding-DNA position 2326, C replaced by T.
Protein change: p.Pro776Ser; replaces proline 776 with serine.
Molecular consequence: missense variant.
Genome position (GRCh38, 1-based): chr4:112,431,873, C>T. VCF-style: chr4-112431873-C-T. GRCh37 (hg19) VCF-style: chr4-113353029-C-T.
Other names: c.2326C>T, p.Pro776Ser (NM_001102406.2); c.2092C>T, p.Pro698Ser (NM_001253884.2); c.2326C>T (NM_001102406.1); short protein forms P698S, P776S.
Identifiers: ClinVar variation 3603949 (VCV003603949.3).